The following is an entry in ClinVar:

NM_014140.4(SMARCAL1):c.2844C>T (p.Asp948=)

Gene: SMARCAL1 (SNF2 related chromatin remodeling annealing helicase 1; plus strand). Cytogenetic location: 2q35.
Variant type: single nucleotide variant.
Coding change: c.2844C>T on transcript NM_014140.4 (MANE Select); coding-DNA position 2844, C replaced by T.
Protein change: p.Asp948=; no amino-acid change (aspartic acid 948 retained).
Molecular consequence: synonymous variant.
Genome position (GRCh38, 1-based): chr2:216,482,956, C>T. VCF-style: chr2-216482956-C-T. GRCh37 (hg19) VCF-style: chr2-217347679-C-T.
Other names: c.2844C>T, p.Asp948= (NM_001127207.2); c.2844C>T (NM_014140.3).
Identifiers: ClinVar variation 1110288 (VCV001110288.12), dbSNP rs971767180, ClinGen allele CA65623141.

ClinVar aggregate classification (germline): Likely benign. Review status: criteria provided, multiple submitters, no conflicts (2 of 4 stars). 3 submissions from 3 submitters: Likely benign (2). 1 of the submissions does not count toward it. Last evaluated 2025-02-16.

Conditions:
SMARCAL1-related disorder. Also called: SMARCAL1-related condition.
Schimke immuno-osseous dysplasia (SIOD). Also called: Schimke Immunoosseous Dysplasia. Identifiers: Orphanet 1830, MedGen C0877024, MONDO:0009458, OMIM 242900.

Allele frequency attached by ClinVar (database versions not stated): gnomAD exomes below 0.00001 and 0.00001; gnomAD 0.00001; TOPMed 0.00001.
gnomAD v4.1: 7 of 1,613,960 alleles (0.00043%); highest among the groups gnomAD compares: Non-Finnish European, 0.00059%; no homozygotes.

Submissions (3):

Labcorp Genetics (formerly Invitae), Labcorp
Classification: Likely benign for Schimke immuno-osseous dysplasia. Last evaluated: 2025-02-16. Review status: criteria provided, single submitter. Criteria: Invitae Variant Classification Sherloc (09022015). Collection method: clinical testing. Allele origin: germline.

Blueprint Genetics
Classification: Likely benign. Last evaluated: 2022-02-09. Review status: criteria provided, single submitter. Criteria: ACMG Guidelines, 2015. Collection method: clinical testing. Allele origin: germline.

PreventionGenetics, part of Exact Sciences
Classification: Likely benign for SMARCAL1-related condition. Last evaluated: 2019-10-30. Review status: no assertion criteria provided. Collection method: clinical testing. Allele origin: germline. Not counted in ClinVar's aggregate classification.
Comment: This variant is classified as likely benign based on ACMG/AMP sequence variant interpretation guidelines (Richards et al. 2015 PMID: 25741868, with internal and published modifications).